The following is an entry in ClinVar:

ClinVar aggregate classification (germline): Conflicting classifications of pathogenicity. Review status: criteria provided, conflicting classifications (1 of 4 stars). 2 submissions from 2 submitters: Uncertain significance (1); Likely benign (1). Last evaluated 2026-01-22.

gnomAD v4.1: 6 of 1,614,054 alleles (0.00037%); highest among the groups gnomAD compares: Admixed American, 0.0017%; no homozygotes.

Submissions (2):

Labcorp Genetics (formerly Invitae), Labcorp
Classification: Uncertain significance. Last evaluated: 2026-01-22. Review status: criteria provided, single submitter. Criteria: Invitae Variant Classification Sherloc (09022015). Collection method: clinical testing. Allele origin: germline.
Comment: This sequence change replaces methionine, which is neutral and non-polar, with valine, which is neutral and non-polar, at codon 99 of the IL23R protein (p.Met99Val). This variant is present in population databases (rs758835954, gnomAD no frequency). This variant has not been reported in the literature in individuals affected with IL23R-related conditions. ClinVar contains an entry for this variant (Variation ID: 3604088). An algorithm developed to predict the effect of missense changes on protein structure and function outputs the following: PolyPhen-2: "Benign". The valine amino acid residue is found in multiple mammalian species, which suggests that this missense change does not adversely affect protein function. In summary, the available evidence is currently insufficient to determine the role of this variant in disease. Therefore, it has been classified as a Variant of Uncertain Significance.

Ambry Genetics
Classification: Likely benign. Last evaluated: 2025-08-01. Review status: criteria provided, single submitter. Criteria: Ambry Variant Classification Scheme 2023. Collection method: clinical testing. Allele origin: germline.

NM_144701.3(IL23R):c.295A>G (p.Met99Val)

Gene: IL23R (interleukin 23 receptor; plus strand). Cytogenetic location: 1p31.3.
Variant type: single nucleotide variant.
Coding change: c.295A>G on transcript NM_144701.3 (MANE Select); coding-DNA position 295, A replaced by G.
Protein change: p.Met99Val; replaces methionine 99 with valine.
Molecular consequence: missense variant.
Genome position (GRCh38, 1-based): chr1:67,169,566, A>G. VCF-style: chr1-67169566-A-G. GRCh37 (hg19) VCF-style: chr1-67635249-A-G.
Other names: c.295A>G (NM_144701.2); short protein forms M99V.
Identifiers: ClinVar variation 3604088 (VCV003604088.3).